The following is an entry in ClinVar:

NM_001042492.3(NF1):c.5907_5908del (p.Arg1970fs)

Gene: NF1 (neurofibromin 1; plus strand). Cytogenetic location: 17q11.2.
Variant type: Deletion.
Coding change: c.5907_5908del on transcript NM_001042492.3 (MANE Select); coding-DNA positions 5907 to 5908, 2 bases deleted (AA; older notation c.5907_5908delAA).
Protein change: p.Arg1970fs; shifts the reading frame from arginine 1970.
Molecular consequence: frameshift variant.
Genome position (GRCh38, 1-based): chr17:31,334,932-31,334,933, AA deleted; deleting any 2 consecutive bases within chr17:31,334,931-31,334,933 gives the same sequence; the c. name uses the placement nearest the transcript's 3' end. VCF-style (leftmost placement, unchanged base first): chr17-31334930-CAA-C. GRCh37 (hg19) VCF-style: chr17-29661948-CAA-C.
Other names: c.5844_5845delAA (NM_000267.3); c.5844_5845delAA, p.Arg1949Serfs (NM_000267.4).
Identifiers: ClinVar variation 216865 (VCV000216865.20), dbSNP rs863224835, ClinGen allele CA339508.

ClinVar aggregate classification (germline): Pathogenic. Review status: criteria provided, multiple submitters, no conflicts (2 of 4 stars). 10 submissions from 10 submitters: Pathogenic (10). Last evaluated 2025-10-07.

Conditions:
NF1-related disorder. Also called: NF1-related condition. Identifiers: MedGen CN379171.
Hereditary cancer-predisposing syndrome. Also called: Neoplastic Syndromes, Hereditary; Tumor predisposition; Hereditary Cancer Syndrome; Hereditary neoplastic syndrome. Identifiers: Orphanet 140162, MedGen C0027672, MeSH D009386, MONDO:0015356.
Neurofibromatosis, type 1 (NF1). Also called: VON RECKLINGHAUSEN DISEASE; NEUROFIBROMATOSIS, TYPE I, SOMATIC; Peripheral type neurofibromatosis; Neurofibromatosis, type I. Identifiers: Orphanet 636, MedGen C0027831, MONDO:0018975, OMIM 162200. Disease mechanism: loss of function.

Submissions (10):

Labcorp Genetics (formerly Invitae), Labcorp
Classification: Pathogenic for Neurofibromatosis, type 1. Last evaluated: 2025-10-07. Review status: criteria provided, single submitter. Criteria: Invitae Variant Classification Sherloc (09022015). Collection method: clinical testing. Allele origin: germline.
Comment: This sequence change creates a premature translational stop signal (p.Arg1949Serfs*6) in the NF1 gene. It is expected to result in an absent or disrupted protein product. Loss-of-function variants in NF1 are known to be pathogenic (PMID: 10712197, 23913538). This variant is not present in population databases (gnomAD no frequency). This premature translational stop signal has been observed in individual(s) with neurofibromatosis type I (PMID: 8069310, 16835897). In at least one individual the variant was observed to be de novo. Invitae Evidence Modeling of clinical and family history, age, sex, and reported ancestry of multiple individuals with this NF1 variant has been performed. This variant is expected to be pathogenic with a positive predictive value of at least 99%. This is a validated machine learning model that incorporates the clinical features of 1,785,918 individuals referred to our laboratory for NF1 testing. This variant is also known as 5843delAA. ClinVar contains an entry for this variant (Variation ID: 216865). For these reasons, this variant has been classified as Pathogenic.

GeneDx
Classification: Pathogenic. Last evaluated: 2024-11-08. Review status: criteria provided, single submitter. Criteria: GeneDx Variant Classification Process June 2021. Collection method: clinical testing. Allele origin: germline. Affected: yes.
Comment: Frameshift variant predicted to result in protein truncation or nonsense mediated decay in a gene for which loss of function is a known mechanism of disease; Not observed at significant frequency in large population cohorts (gnomAD); Also known as 5843delAA; This variant is associated with the following publications: (PMID: 8825042, 23913538, 34427956, 17426081, 16835897, 27787920, 25074460, 22105171, 34308104, 8069310)

Blueprint Genetics
Classification: Pathogenic for NF1-related disorders. Last evaluated: 2023-08-16. Review status: criteria provided, single submitter. Criteria: ACMG Guidelines, 2015. Collection method: clinical testing. Allele origin: germline. Affected: yes. Observed: 1 variant allele.

3billion
Classification: Pathogenic for Neurofibromatosis, type 1. Last evaluated: 2022-05-22. Review status: criteria provided, single submitter. Criteria: ACMG Guidelines, 2015. Collection method: clinical testing. Allele origin: germline. Affected: yes. Observed: 1 heterozygote.
Comment: The variant is not observed in the gnomAD v2.1.1 dataset. Frameshift: predicted to result in a loss or disruption of normal protein function through nonsense-mediated decay (NMD) or protein truncation. Multiple pathogenic variants are reported downstream of the variant. The variant has been reported at least twice as pathogenic with clinical assertions and evidence for the classification (ClinVar ID: VCV000216865 / PMID: 8069310). Therefore, this variant is classified as pathogenic according to the recommendation of ACMG/AMP guideline.

Genome-Nilou Lab
Classification: Pathogenic for Neurofibromatosis, type 1. Last evaluated: 2022-03-15. Review status: criteria provided, single submitter. Criteria: ACMG Guidelines, 2015. Collection method: clinical testing. Allele origin: germline. Affected: no.

Medical Genetics, University of Parma
Classification: Pathogenic for Neurofibromatosis, type 1. Last evaluated: 2019-12-20. Review status: criteria provided, single submitter. Criteria: ACMG Guidelines, 2015. Collection method: clinical testing. Allele origin: germline. Affected: yes.

Clinical Molecular Genetics Laboratory, Johns Hopkins All Children's Hospital
Classification: Pathogenic for Neurofibromatosis, type 1. Last evaluated: 2019-06-25. Review status: criteria provided, single submitter. Criteria: ACMG Guidelines, 2015. Collection method: clinical testing. Allele origin: germline. Inheritance: Autosomal dominant inheritance. Affected: yes. Observed: 1 heterozygote.

Ambry Genetics
Classification: Pathogenic for Hereditary cancer-predisposing syndrome. Last evaluated: 2014-08-12. Review status: criteria provided, single submitter. Criteria: Ambry Autosomal Dominant and X-Linked criteria (10/2015). Collection method: clinical testing. Allele origin: germline. Observed: 1 variant allele.
Comment: The c.5907_5908delAA variant, located in coding exon 40 of the NF1 gene, results from a deletion of two nucleotides between nucleotide positions 5907 and 5908, causing a translational frameshift with a predicted alternate stop codon. This mutation was confirmed de novo in one individual who was affected with NF1 (<span style="background-color: initial;">Valero MC, et al. Hum. Mol. Genet. 1994 Apr; 3(4):639-41).<span style="background-color: initial;">In addition to the clinical data presented in the literature, since frameshifts are typically deleterious in nature, this alteration is interpreted as a disease-causing mutation (ACMG Recommendations for Standards for Interpretation and Reporting of Sequence Variations. Revision 2007. Genet Med. 2008;10:294).

Dr.Nikuei Genetic Center
Classification: Pathogenic for Neurofibromatosis, type 1. Review status: criteria provided, single submitter. Criteria: ACMG Guidelines, 2015. Collection method: clinical testing. Allele origin: germline. Inheritance: Autosomal dominant inheritance. Affected: yes. Observed: 1 heterozygote.

Juno Genomics, Hangzhou Juno Genomics, Inc
Classification: Pathogenic for Neurofibromatosis, type 1. Review status: criteria provided, single submitter. Criteria: ACMG Guidelines, 2015. Collection method: clinical testing. Allele origin: germline. Affected: yes.
Comment: Absent from controls (or at extremely low frequency if recessive) in Genome Aggregation Database, Exome Sequencing Project, 1000 Genomes Project, or Exome Aggregation Consortium.;Null variant in a gene where loss of function (LOF) is a known mechanism of disease.;The prevalence of the variant in affected individuals is significantly increased compared to the prevalence in controls.;Patient's phenotype or family history is highly specific for a disease with a single genetic etiology.

Literature cited by the submitters: PubMed 10712197 (cited by Labcorp Genetics (formerly Invitae), Labcorp); PubMed 23913538 (cited by Labcorp Genetics (formerly Invitae), Labcorp); PubMed 8069310 (cited by 3 submitters); PubMed 16835897 (cited by Labcorp Genetics (formerly Invitae), Labcorp).